The following is an entry in ClinVar:

ClinVar aggregate classification (germline): Uncertain significance (1 of 4 stars; one submission).

Conditions:
Malignant hyperthermia, susceptibility to, 1 (MHS1). Also called: RYR1-Related Malignant Hyperthermia Susceptibility; Anesthesia related hyperthermia; Malignant hyperpyrexia; Fulminating hyperpyrexia; Pharmacogenic myopathy; Malignant hyperthermia suceptibility 1. Identifiers: Orphanet 423, MedGen C2930980, MONDO:0007783, OMIM 145600.

Allele frequency attached by ClinVar (database versions not stated): gnomAD 0.00001.
gnomAD v4.1: 7 of 1,612,356 alleles (0.00043%); highest among the groups gnomAD compares: Non-Finnish European, 0.00059%; no homozygotes.

Submission:

All of Us Research Program, National Institutes of Health
Classification: Uncertain significance for Malignant hyperthermia, susceptibility to, 1. Last evaluated: 2023-04-03. Review status: criteria provided, single submitter. Criteria: ACMG Guidelines, 2015. Collection method: clinical testing. Allele origin: germline. Inheritance: Autosomal dominant inheritance. Observed: 1 variant allele, 1 heterozygote.
Comment: This missense variant replaces cysteine with glycine at codon 2565 of the RYR1 protein. Computational prediction suggests that this variant may have deleterious impact on protein structure and function (internally defined REVEL score threshold >= 0.7, PMID: 27666373). To our knowledge, functional studies have not been reported for this variant. This variant has not been reported in individuals affected with RYR1-related disorders in the literature. This variant has been identified in 1/250166 chromosomes in the general population by the Genome Aggregation Database (gnomAD). The available evidence is insufficient to determine the role of this variant in disease conclusively. Therefore, this variant is classified as a Variant of Uncertain Significance.

This study involves interpretation of variants in research participants for the purpose of population health screening. Participant phenotype was not available at the time of variant classification. Additional details can be found in publication PMID: 35346344, PMCID: PMC8962531

NM_000540.3(RYR1):c.7693T>G (p.Cys2565Gly)

Gene: RYR1 (ryanodine receptor 1; plus strand). Cytogenetic location: 19q13.2.
Variant type: single nucleotide variant.
Coding change: c.7693T>G on transcript NM_000540.3 (MANE Select); coding-DNA position 7693, T replaced by G.
Protein change: p.Cys2565Gly; replaces cysteine 2565 with glycine.
Molecular consequence: missense variant.
Genome position (GRCh38, 1-based): chr19:38,502,585, T>G. VCF-style: chr19-38502585-T-G. GRCh37 (hg19) VCF-style: chr19-38993225-T-G.
Other names: c.7693T>G, p.Cys2565Gly (NM_001042723.2); short protein forms C2565G.
Identifiers: ClinVar variation 3070292 (VCV003070292.1), dbSNP rs1045946272, ClinGen allele CA308111979.